The following is an entry in ClinVar:

ClinVar aggregate classification (germline): Uncertain significance (1 of 4 stars; one submission).

Conditions:
Inborn genetic diseases. Identifiers: MedGen C0950123, MeSH D030342.

Submission:

Ambry Genetics
Classification: Uncertain significance for Inborn genetic diseases. Last evaluated: 2023-03-30. Review status: criteria provided, single submitter. Criteria: Ambry Variant Classification Scheme 2023. Collection method: clinical testing. Allele origin: germline.
Comment: The p.R14G variant (also known as c.40C>G), located in coding exon 1 of the MDH2 gene, results from a C to G substitution at nucleotide position 40. The arginine at codon 14 is replaced by glycine, an amino acid with dissimilar properties. This amino acid position is conserved. In addition, this alteration is predicted to be tolerated by in silico analysis. Since supporting evidence is limited at this time, the clinical significance of this alteration remains unclear.

NM_005918.4(MDH2):c.40C>G (p.Arg14Gly)

Gene: MDH2 (malate dehydrogenase 2; plus strand). Cytogenetic location: 7q11.23.
Variant type: single nucleotide variant.
Coding change: c.40C>G on transcript NM_005918.4 (MANE Select); coding-DNA position 40, C replaced by G.
Protein change: p.Arg14Gly; replaces arginine 14 with glycine.
Molecular consequence: missense variant. On other transcripts: 5 prime UTR variant (1), non-coding transcript variant (1).
Genome position (GRCh38, 1-based): chr7:76,048,200, C>G. VCF-style: chr7-76048200-C-G. GRCh37 (hg19) VCF-style: chr7-75677518-C-G.
Other names: c.40C>G, p.Arg14Gly (NM_001282403.2); c.-113C>G (NM_001282404.2); short protein forms R14G.
Identifiers: ClinVar variation 2562829 (VCV002562829.2), dbSNP rs1554584480, ClinGen allele CA367760082.